The following is an entry in ClinVar:

NM_001379610.1(SPINK1):c.220C>A (p.Gln74Lys)

Gene: SPINK1 (serine peptidase inhibitor Kazal type 1; minus strand). Cytogenetic location: 5q32.
Variant type: single nucleotide variant.
Coding change: c.220C>A on transcript NM_001379610.1 (MANE Select); coding-DNA position 220, C replaced by A.
Protein change: p.Gln74Lys; replaces glutamine 74 with lysine.
Molecular consequence: missense variant.
Genome position (GRCh38, 1-based): chr5:147,824,681, G>T on the plus strand (C>A on the coding strand, the complement: SPINK1 is on the minus strand). VCF-style: chr5-147824681-G-T. GRCh37 (hg19) VCF-style: chr5-147204244-G-T.
Other names: c.220C>A (NM_003122.3); c.220C>A, p.Gln74Lys (NM_001354966.2, NM_003122.5); short protein forms Q74K.
Identifiers: ClinVar variation 3625304 (VCV003625304.3).

ClinVar aggregate classification (germline): Conflicting classifications of pathogenicity. Review status: criteria provided, conflicting classifications (1 of 4 stars). 2 submissions from 2 submitters: Uncertain significance (1); Likely benign (1). Last evaluated 2025-03-14.

Conditions:
Hereditary pancreatitis (PCTT). Also called: Hereditary chronic pancreatitis; PRSS1-Related Hereditary Pancreatitis. Identifiers: Orphanet 676, MedGen C0238339, MONDO:0008185, OMIM 167800.

gnomAD v4.1: 4 of 1,613,904 alleles (0.00025%); highest among the groups gnomAD compares: African/African-American, 0.0013%; no homozygotes.

Submissions (2):

Ambry Genetics
Classification: Likely benign for Hereditary pancreatitis. Last evaluated: 2025-03-14. Review status: criteria provided, single submitter. Criteria: Ambry Variant Classification Scheme 2023. Collection method: clinical testing. Allele origin: germline.

Labcorp Genetics (formerly Invitae), Labcorp
Classification: Uncertain significance for Hereditary pancreatitis. Last evaluated: 2024-12-27. Review status: criteria provided, single submitter. Criteria: Invitae Variant Classification Sherloc (09022015). Collection method: clinical testing. Allele origin: germline.
Comment: This sequence change replaces glutamine, which is neutral and polar, with lysine, which is basic and polar, at codon 74 of the SPINK1 protein (p.Gln74Lys). This variant is present in population databases (no rsID available, gnomAD 0.0008%). This variant has not been reported in the literature in individuals affected with SPINK1-related conditions. An algorithm developed to predict the effect of missense changes on protein structure and function outputs the following: PolyPhen-2: "Benign". The lysine amino acid residue is found in multiple mammalian species, which suggests that this missense change does not adversely affect protein function. Algorithms developed to predict the effect of sequence changes on RNA splicing suggest that this variant may disrupt the consensus splice site. In summary, the available evidence is currently insufficient to determine the role of this variant in disease. Therefore, it has been classified as a Variant of Uncertain Significance.